The following is an entry in ClinVar:

ClinVar aggregate classification (germline): Uncertain significance (1 of 4 stars; one submission).

Allele frequency attached by ClinVar (database versions not stated): gnomAD 0.00001; TOPMed 0.00001.
gnomAD v4.1: 2 of 1,613,890 alleles (0.00012%); highest among the groups gnomAD compares: Non-Finnish European, 0.00017%; no homozygotes.

Submission:

GeneDx
Classification: Uncertain significance. Last evaluated: 2020-07-06. Review status: criteria provided, single submitter. Criteria: GeneDx Variant Classification Process June 2021. Collection method: clinical testing. Allele origin: germline. Affected: yes.
Comment: Not observed at a significant frequency in large population cohorts (Lek et al., 2016); In silico analysis supports that this missense variant does not alter protein structure/function; Has not been previously published as pathogenic or benign to our knowledge

NM_003737.4(DCHS1):c.613C>A (p.Pro205Thr)

Gene: DCHS1 (dachsous cadherin-related 1; minus strand). Cytogenetic location: 11p15.4.
Variant type: single nucleotide variant.
Coding change: c.613C>A on transcript NM_003737.4 (MANE Select); coding-DNA position 613, C replaced by A.
Protein change: p.Pro205Thr; replaces proline 205 with threonine.
Molecular consequence: missense variant.
Genome position (GRCh38, 1-based): chr11:6,641,001, G>T on the plus strand (C>A on the coding strand, the complement: DCHS1 is on the minus strand). VCF-style: chr11-6641001-G-T. GRCh37 (hg19) VCF-style: chr11-6662232-G-T.
Other names: short protein forms P205T.
Identifiers: ClinVar variation 1312934 (VCV001312934.2), dbSNP rs770619513, ClinGen allele CA5861121.